The following is an entry in ClinVar:

ClinVar aggregate classification (germline): Uncertain significance. Review status: criteria provided, multiple submitters, no conflicts (2 of 4 stars). 2 submissions from 2 submitters: Uncertain significance (2). Last evaluated 2023-07-06.

Conditions:
Hereditary nonpolyposis colorectal neoplasms. Identifiers: MedGen C0009405, MeSH D003123.
Hereditary cancer-predisposing syndrome. Also called: Hereditary Cancer Syndrome; Tumor predisposition; Hereditary neoplastic syndrome; Neoplastic Syndromes, Hereditary. Identifiers: Orphanet 140162, MedGen C0027672, MeSH D009386, MONDO:0015356.

Allele frequency attached by ClinVar (database versions not stated): TOPMed below 0.00001.

Submissions (2):

Ambry Genetics
Classification: Uncertain significance for Hereditary cancer-predisposing syndrome. Last evaluated: 2023-07-06. Review status: criteria provided, single submitter. Criteria: Ambry Variant Classification Scheme 2023. Collection method: clinical testing. Allele origin: germline.
Comment: The p.D135E variant (also known as c.405T>A), located in coding exon 2 of the MSH6 gene, results from a T to A substitution at nucleotide position 405. The aspartic acid at codon 135 is replaced by glutamic acid, an amino acid with highly similar properties. This amino acid position is conserved. In addition, the in silico prediction for this alteration is inconclusive. Since supporting evidence is limited at this time, the clinical significance of this alteration remains unclear.

Labcorp Genetics (formerly Invitae), Labcorp
Classification: Uncertain significance for Hereditary nonpolyposis colorectal neoplasms. Last evaluated: 2018-08-06. Review status: criteria provided, single submitter. Criteria: Invitae Variant Classification Sherloc (09022015). Collection method: clinical testing. Allele origin: germline.
Comment: This variant is not present in population databases (ExAC no frequency). In summary, the available evidence is currently insufficient to determine the role of this variant in disease. Therefore, it has been classified as a Variant of Uncertain Significance. Algorithms developed to predict the effect of missense changes on protein structure and function are either unavailable or do not agree on the potential impact of this missense change (SIFT: "Tolerated"; PolyPhen-2: "Probably Damaging"; Align-GVGD: "Class C0"). This variant has not been reported in the literature in individuals with MSH6-related disease. This sequence change replaces aspartic acid with glutamic acid at codon 135 of the MSH6 protein (p.Asp135Glu). The aspartic acid residue is highly conserved and there is a small physicochemical difference between aspartic acid and glutamic acid.

NM_000179.3(MSH6):c.405T>A (p.Asp135Glu)

Gene: MSH6 (mutS homolog 6; plus strand). Cytogenetic location: 2p16.3.
Variant type: single nucleotide variant.
Coding change: c.405T>A on transcript NM_000179.3 (MANE Select); coding-DNA position 405, T replaced by A.
Protein change: p.Asp135Glu; replaces aspartic acid 135 with glutamic acid.
Molecular consequence: missense variant. On other transcripts: 5 prime UTR variant (2), intron variant (1).
Genome position (GRCh38, 1-based): chr2:47,791,071, T>A. VCF-style: chr2-47791071-T-A. GRCh37 (hg19) VCF-style: chr2-48018210-T-A.
Other names: c.-332T>A (NM_001281493.2); c.-498T>A (NM_001281494.2); c.238-7540T>A (NM_001281492.2); short protein forms D135E.
Identifiers: ClinVar variation 646203 (VCV000646203.9), dbSNP rs1230586400, ClinGen allele CA346737099.